The following is an entry in ClinVar:

NM_001261826.3(AP3D1):c.2270A>G (p.His757Arg)

Gene: AP3D1 (adaptor related protein complex 3 subunit delta 1; minus strand). Cytogenetic location: 19p13.3.
Variant type: single nucleotide variant.
Coding change: c.2270A>G on transcript NM_001261826.3 (MANE Select); coding-DNA position 2270, A replaced by G.
Protein change: p.His757Arg; replaces histidine 757 with arginine.
Molecular consequence: missense variant.
Genome position (GRCh38, 1-based): chr19:2,115,298, T>C on the plus strand (A>G on the coding strand, the complement: AP3D1 is on the minus strand). VCF-style: chr19-2115298-T-C. GRCh37 (hg19) VCF-style: chr19-2115297-T-C.
Other names: c.2270A>G, p.His757Arg (NM_001374799.1, NM_003938.8); short protein forms H757R.
Identifiers: ClinVar variation 3630454 (VCV003630454.2).
Genomic context (GRCh38, chr19:2,115,298, plus strand): 5'-ACGATGTCCACCTGCTGGGCAGGGGCGATGTCCTCGTCGCTCTCCGTGGGCAGCGAGCTG[T>C]GGCGGCGCTTGCCCTTCTTCTCCTTCTCCTTCCTCTTTTTCCTCCTCTTGTCCTTCTCCA-3'
Protein context (NP_001248755.1, residues 747-767): KEKEKKGKRR[His757Arg]SSLPTESDED

ClinVar aggregate classification (germline): Uncertain significance (1 of 4 stars; one submission).

Submission:

Labcorp Genetics (formerly Invitae), Labcorp
Classification: Uncertain significance. Last evaluated: 2024-02-24. Review status: criteria provided, single submitter. Criteria: Invitae Variant Classification Sherloc (09022015). Collection method: clinical testing. Allele origin: germline.
Comment: This sequence change replaces histidine, which is basic and polar, with arginine, which is basic and polar, at codon 757 of the AP3D1 protein (p.His757Arg). This variant is not present in population databases (gnomAD no frequency). This variant has not been reported in the literature in individuals affected with AP3D1-related conditions. An algorithm developed to predict the effect of missense changes on protein structure and function (PolyPhen-2) suggests that this variant is likely to be tolerated. In summary, the available evidence is currently insufficient to determine the role of this variant in disease. Therefore, it has been classified as a Variant of Uncertain Significance.